The following is an entry in ClinVar:

NM_000147.5(FUCA1):c.971A>G (p.Glu324Gly)

Gene: FUCA1 (alpha-L-fucosidase 1; minus strand). Cytogenetic location: 1p36.11.
Variant type: single nucleotide variant.
Coding change: c.971A>G on transcript NM_000147.5 (MANE Select); coding-DNA position 971, A replaced by G.
Protein change: p.Glu324Gly; replaces glutamic acid 324 with glycine.
Molecular consequence: missense variant. On other transcripts: non-coding transcript variant (4).
Genome position (GRCh38, 1-based): chr1:23,848,838, T>C on the plus strand (A>G on the coding strand, the complement: FUCA1 is on the minus strand). VCF-style: chr1-23848838-T-C. GRCh37 (hg19) VCF-style: chr1-24175328-T-C.
Other names: short protein forms E324G.
Identifiers: ClinVar variation 2004296 (VCV002004296.4), dbSNP rs2521636319, ClinGen allele CA339036767.
Genomic context (GRCh38, chr1:23,848,838, plus strand): 5'-TCTTTAGTTGGTCCAATGTTCAGAAGATAGTTGCCTCCCAAACTTACTGTCTGAACCAGT[T>C]CCTGGAGAGAACAGAAACAATGAAAGTCTAGCTATGAATGCCAAGCCTGGCATCATGCTT-3'
Protein context (NP_000138.2, residues 314-334): DVTEESEIIS[Glu324Gly]LVQTVSLGGN

ClinVar aggregate classification (germline): Uncertain significance (1 of 4 stars; one submission).

Conditions:
Fucosidosis. Also called: ALPHA-L-FUCOSIDASE DEFICIENCY. Identifiers: Orphanet 349, MedGen C0016788, MONDO:0009254, OMIM 230000.

Submission:

Labcorp Genetics (formerly Invitae), Labcorp
Classification: Uncertain significance for Fucosidosis. Last evaluated: 2022-06-10. Review status: criteria provided, single submitter. Criteria: Invitae Variant Classification Sherloc (09022015). Collection method: clinical testing. Allele origin: germline.
Comment: In summary, the available evidence is currently insufficient to determine the role of this variant in disease. Therefore, it has been classified as a Variant of Uncertain Significance. Algorithms developed to predict the effect of missense changes on protein structure and function are either unavailable or do not agree on the potential impact of this missense change (SIFT: "Deleterious"; PolyPhen-2: "Possibly Damaging"; Align-GVGD: "Class C0"). This variant has not been reported in the literature in individuals affected with FUCA1-related conditions. This variant is not present in population databases (gnomAD no frequency). This sequence change replaces glutamic acid, which is acidic and polar, with glycine, which is neutral and non-polar, at codon 324 of the FUCA1 protein (p.Glu324Gly).